The following is an entry in ClinVar:

ClinVar aggregate classification (germline): Uncertain significance (1 of 4 stars; one submission).

Submission:

GeneDx
Classification: Uncertain significance. Last evaluated: 2024-04-08. Review status: criteria provided, single submitter. Criteria: GeneDx Variant Classification Process June 2021. Collection method: clinical testing. Allele origin: germline. Affected: yes.
Comment: Nonsense variant predicted to result in protein truncation or nonsense mediated decay in a gene for which loss-of-function is not a known mechanism of disease; Not observed at significant frequency in large population cohorts (gnomAD); Has not been previously published as pathogenic or benign to our knowledge

NM_001940.4(ATN1):c.3051T>G (p.Tyr1017Ter)

Gene: ATN1 (atrophin 1; plus strand). Cytogenetic location: 12p13.31.
Variant type: single nucleotide variant.
Coding change: c.3051T>G on transcript NM_001940.4 (MANE Select); coding-DNA position 3051, T replaced by G.
Protein change: p.Tyr1017Ter; replaces tyrosine 1017 with a stop codon.
Molecular consequence: nonsense.
Genome position (GRCh38, 1-based): chr12:6,939,014, T>G. VCF-style: chr12-6939014-T-G. GRCh37 (hg19) VCF-style: chr12-7048177-T-G.
Other names: c.3051T>G, p.Tyr1017Ter (NM_001007026.2, NM_001424176.1, NM_001424177.1 and 1 more transcripts); c.3048T>G, p.Tyr1016Ter (NM_001424179.1, NM_001424180.1); c.3027T>G, p.Tyr1009Ter (NM_001424182.1); short protein forms Y1009*, Y1016*, Y1017*.
Identifiers: ClinVar variation 3372218 (VCV003372218.1).